The following is an entry in ClinVar:

NC_000009.12:g.(?_130458401)_(130458589_?)del

Gene: ASS1 (argininosuccinate synthase 1; plus strand). Cytogenetic location: 9q34.11.
Variant type: Deletion.
Identifiers: ClinVar variation 458669 (VCV000458669.1).

ClinVar aggregate classification (germline): Pathogenic (1 of 4 stars; one submission).

Conditions:
Citrullinemia type I (CTNL1). Also called: argininosuccinate synthetase deficiency; ASS DEFICIENCY. Identifiers: Orphanet 247525, MedGen C4721769, MONDO:0008988, OMIM 215700.

Submission:

Labcorp Genetics (formerly Invitae), Labcorp
Classification: Pathogenic for Citrullinemia. Last evaluated: 2016-12-15. Review status: criteria provided, single submitter. Criteria: Invitae Variant Classification Sherloc (09022015). Collection method: clinical testing. Allele origin: germline.
Comment: This variant is a gross deletion of the genomic region encompassing exon 5 of the ASS1 gene. This leads to an in-frame deletion, preserving the integrity of the reading frame. Exon 5 deletions of ASS1 have been observed in individuals affected with citrullinemia type I (PMID: 2615645, Invitae). For these reasons, this variant has been classified as Pathogenic.